The following is an entry in ClinVar:

NM_001384900.1(SEMA3D):c.1989T>G (p.Tyr663Ter)

Genes: SEMA3D (semaphorin 3D; minus strand), LOC126860094 (BRD4-independent group 4 enhancer GRCh37_chr7:84628763-84629962; plus strand). Cytogenetic location: 7q21.11.
Variant type: single nucleotide variant.
Coding change: c.1989T>G on transcript NM_001384900.1 (MANE Select); coding-DNA position 1989, T replaced by G.
Protein change: p.Tyr663Ter; replaces tyrosine 663 with a stop codon.
Molecular consequence: nonsense.
Genome position (GRCh38, 1-based): chr7:84,999,785, A>C on the plus strand (T>G on the coding strand, the complement: SEMA3D is on the minus strand). VCF-style: chr7-84999785-A-C. GRCh37 (hg19) VCF-style: chr7-84629101-A-C.
Other names: c.1989T>G, p.Tyr663Ter (NM_001384901.1, NM_001384902.1, NM_001384903.1 and 1 more transcripts); short protein forms Y663*.
Identifiers: ClinVar variation 5001978 (VCV005001978.1).

ClinVar aggregate classification (germline): Uncertain significance (1 of 4 stars; one submission).

Conditions:
SEMA3D-related disorder. Also called: SEMA3D-related condition.

gnomAD v4.1: 3 of 1,614,014 alleles (0.00019%); highest among the groups gnomAD compares: Non-Finnish European, 0.00025%; no homozygotes.

Submission:

PreventionGenetics, part of Exact Sciences
Classification: Uncertain significance for SEMA3D-related condition. Last evaluated: 2026-01-22. Review status: criteria provided, single submitter. Criteria: ACMG Guidelines, 2015. Collection method: clinical testing. Allele origin: germline.
Comment: The SEMA3D c.1989T>G variant is predicted to result in premature protein termination (p.Tyr663*). This variant is located in the last exon of SEMA3D and is, therefore, not expected to undergo nonsense-mediated mRNA decay. To our knowledge, this variant has not been reported in the literature. This variant is reported in 0.00088% of alleles in individuals of European (Non-Finnish) descent in gnomAD. At this time, the clinical significance of this variant is uncertain due to the absence of conclusive functional and genetic evidence.